The following is an entry in ClinVar:

NM_000551.4(VHL):c.613C>A (p.Arg205Ser)

Genes: VHL (von Hippel-Lindau tumor suppressor; plus strand), LOC107303340 (3p25 von Hippel-Lindau tumor suppressor, E3 ubiquitin protein ligase Alu-mediated recombination region; plus strand). Cytogenetic location: 3p25.3.
Variant type: single nucleotide variant.
Coding change: c.613C>A on transcript NM_000551.4 (MANE Select); coding-DNA position 613, C replaced by A.
Protein change: p.Arg205Ser; replaces arginine 205 with serine.
Molecular consequence: missense variant. On other transcripts: 3 prime UTR variant (1).
Genome position (GRCh38, 1-based): chr3:10,149,936, C>A. VCF-style: chr3-10149936-C-A. GRCh37 (hg19) VCF-style: chr3-10191620-C-A.
Other names: c.613C>A (NM_000551.3); c.*167C>A (NM_001354723.2); c.490C>A, p.Arg164Ser (NM_198156.3); short protein forms R205S, R164S.
Identifiers: ClinVar variation 1407954 (VCV001407954.7), dbSNP rs199926195, ClinGen allele CA351756652.

ClinVar aggregate classification (germline): Uncertain significance. Review status: criteria provided, multiple submitters, no conflicts (2 of 4 stars). 2 submissions from 2 submitters: Uncertain significance (2). Last evaluated 2024-05-18.

Conditions:
Hereditary cancer-predisposing syndrome. Also called: Neoplastic Syndromes, Hereditary; Hereditary neoplastic syndrome; Hereditary Cancer Syndrome; Tumor predisposition. Identifiers: Orphanet 140162, MedGen C0027672, MeSH D009386, MONDO:0015356.
Chuvash polycythemia. Also called: POLYCYTHEMIA, VHL-DEPENDENT. Identifiers: Orphanet 238557, MedGen C1837915, MONDO:0009892, OMIM 263400.
Von Hippel-Lindau syndrome (VHLS). Also called: von Hippel–Lindau syndrome; Von Hippel-Lindau; VHL syndrome. Identifiers: Orphanet 892, MedGen C0019562, MONDO:0008667, OMIM 193300. Disease mechanism: loss of function.

Submissions (2):

Ambry Genetics
Classification: Uncertain significance for Hereditary cancer-predisposing syndrome. Last evaluated: 2024-05-18. Review status: criteria provided, single submitter. Criteria: Ambry Variant Classification Scheme 2023. Collection method: clinical testing. Allele origin: germline.
Comment: The p.R205S variant (also known as c.613C>A), located in coding exon 3 of the VHL gene, results from a C to A substitution at nucleotide position 613. The arginine at codon 205 is replaced by serine, an amino acid with dissimilar properties. This amino acid position is poorly conserved in available vertebrate species. In addition, the in silico prediction for this alteration is inconclusive. Based on the available evidence, the clinical significance of this variant remains unclear.

Labcorp Genetics (formerly Invitae), Labcorp
Classification: Uncertain significance for Von Hippel-Lindau syndrome; Chuvash polycythemia. Last evaluated: 2023-02-14. Review status: criteria provided, single submitter. Criteria: Invitae Variant Classification Sherloc (09022015). Collection method: clinical testing. Allele origin: germline.
Comment: In summary, the available evidence is currently insufficient to determine the role of this variant in disease. Therefore, it has been classified as a Variant of Uncertain Significance. Algorithms developed to predict the effect of missense changes on protein structure and function (SIFT, PolyPhen-2, Align-GVGD) all suggest that this variant is likely to be tolerated. ClinVar contains an entry for this variant (Variation ID: 1407954). This variant has not been reported in the literature in individuals affected with VHL-related conditions. This variant is present in population databases (no rsID available, gnomAD 0.0009%). This sequence change replaces arginine, which is basic and polar, with serine, which is neutral and polar, at codon 205 of the VHL protein (p.Arg205Ser).